The following is an entry in ClinVar:

ClinVar aggregate classification (germline): Uncertain significance (1 of 4 stars; one submission).

gnomAD v4.1: 9 of 1,613,808 alleles (0.00056%); highest among the groups gnomAD compares: African/African-American, 0.0027%; no homozygotes.

Submission:

Labcorp Genetics (formerly Invitae), Labcorp
Classification: Uncertain significance. Last evaluated: 2025-10-13. Review status: criteria provided, single submitter. Criteria: Invitae Variant Classification Sherloc (09022015). Collection method: clinical testing. Allele origin: germline.
Comment: This sequence change replaces lysine, which is basic and polar, with arginine, which is basic and polar, at codon 145 of the PDHX protein (p.Lys145Arg). This variant is present in population databases (rs371030372, gnomAD 0.004%). This variant has not been reported in the literature in individuals affected with PDHX-related conditions. ClinVar contains an entry for this variant (Variation ID: 2166333). Invitae Evidence Modeling of protein sequence and biophysical properties (such as structural, functional, and spatial information, amino acid conservation, physicochemical variation, residue mobility, and thermodynamic stability) indicates that this missense variant is not expected to disrupt PDHX protein function with a negative predictive value of 80%. In summary, the available evidence is currently insufficient to determine the role of this variant in disease. Therefore, it has been classified as a Variant of Uncertain Significance.

NM_003477.3(PDHX):c.434A>G (p.Lys145Arg)

Gene: PDHX (pyruvate dehydrogenase complex component X; plus strand). Cytogenetic location: 11p13.
Variant type: single nucleotide variant.
Coding change: c.434A>G on transcript NM_003477.3 (MANE Select); coding-DNA position 434, A replaced by G.
Protein change: p.Lys145Arg; replaces lysine 145 with arginine.
Molecular consequence: missense variant. On other transcripts: intron variant (1).
Genome position (GRCh38, 1-based): chr11:34,957,475, A>G. VCF-style: chr11-34957475-A-G. GRCh37 (hg19) VCF-style: chr11-34979022-A-G.
Other names: c.254A>G, p.Lys85Arg (NM_001135024.2); c.342+9869A>G (NM_001166158.2); short protein forms K85R, K145R.
Identifiers: ClinVar variation 2166333 (VCV002166333.4), dbSNP rs371030372, ClinGen allele CA5945870.